The following is an entry in ClinVar:

NM_003356.4(UCP3):c.452G>A (p.Gly151Glu)

Gene: UCP3 (uncoupling protein 3; minus strand). Cytogenetic location: 11q13.4.
Variant type: single nucleotide variant.
Coding change: c.452G>A on transcript NM_003356.4 (MANE Select); coding-DNA position 452, G replaced by A.
Protein change: p.Gly151Glu; replaces glycine 151 with glutamic acid.
Molecular consequence: missense variant.
Genome position (GRCh38, 1-based): chr11:74,005,819, C>T on the plus strand (G>A on the coding strand, the complement: UCP3 is on the minus strand). VCF-style: chr11-74005819-C-T. GRCh37 (hg19) VCF-style: chr11-73716864-C-T.
Other names: c.452G>A, p.Gly151Glu (NM_022803.3); short protein forms G151E.
Identifiers: ClinVar variation 4988524 (VCV004988524.1).
Genomic context (GRCh38, chr11:74,005,819, plus strand): 5'-CTGGCGATGGTTCTGTAGGCGTCCATAGTCCCGCTGTATTTTCTGTCGCTCCTGGATGGC[C>T]CGAGGTGTATGCTGGCCTGAAATCGGACCTTCACCACATCTGTGGGCTGGGCACAGGTCA-3'
Protein context (NP_003347.1, residues 141-161): KVRFQASIHL[Gly151Glu]PSRSDRKYSG

ClinVar aggregate classification (germline): Uncertain significance (1 of 4 stars; one submission).

Conditions:
UCP3-related disorder. Also called: UCP3-related condition.

Submission:

PreventionGenetics, part of Exact Sciences
Classification: Uncertain significance for UCP3-related condition. Last evaluated: 2024-12-31. Review status: criteria provided, single submitter. Criteria: ACMG Guidelines, 2015. Collection method: clinical testing. Allele origin: germline.
Comment: The UCP3 c.452G>A variant is predicted to result in the amino acid substitution p.Gly151Glu. To our knowledge, this variant has not been reported in the literature or in a large population database (gnomAD), indicating this variant is rare. At this time, the clinical significance of this variant is uncertain due to the absence of conclusive functional and genetic evidence.